The following is an entry in ClinVar:

ClinVar aggregate classification (germline): Uncertain significance (1 of 4 stars; one submission).

Conditions:
Congenital myopathy with internal nuclei and atypical cores. Also called: Myopathy, centronuclear, 4. Identifiers: Orphanet 319160, MedGen C4707232, MONDO:0013890, OMIM 614807.

Allele frequency attached by ClinVar (database versions not stated): gnomAD 0.00001; TOPMed 0.00001; gnomAD exomes 0.00002.

Submission:

Labcorp Genetics (formerly Invitae), Labcorp
Classification: Uncertain significance for Congenital myopathy with internal nuclei and atypical cores. Last evaluated: 2025-04-28. Review status: criteria provided, single submitter. Criteria: Invitae Variant Classification Sherloc (09022015). Collection method: clinical testing. Allele origin: germline.
Comment: This sequence change replaces serine, which is neutral and polar, with glycine, which is neutral and non-polar, at codon 435 of the CCDC78 protein (p.Ser435Gly). This variant is present in population databases (rs748114954, gnomAD 0.003%). This variant has not been reported in the literature in individuals affected with CCDC78-related conditions. ClinVar contains an entry for this variant (Variation ID: 2766837). Invitae Evidence Modeling of protein sequence and biophysical properties (such as structural, functional, and spatial information, amino acid conservation, physicochemical variation, residue mobility, and thermodynamic stability) indicates that this missense variant is not expected to disrupt CCDC78 protein function with a negative predictive value of 80%. In summary, the available evidence is currently insufficient to determine the role of this variant in disease. Therefore, it has been classified as a Variant of Uncertain Significance.

NM_001378030.1(CCDC78):c.1307A>G (p.Lys436Arg)

Gene: CCDC78 (coiled-coil domain containing 78; minus strand). Cytogenetic location: 16p13.3.
Variant type: single nucleotide variant.
Coding change: c.1307A>G on transcript NM_001378030.1 (MANE Select); coding-DNA position 1307, A replaced by G.
Protein change: p.Lys436Arg; replaces lysine 436 with arginine.
Molecular consequence: missense variant. On other transcripts: non-coding transcript variant (5).
Genome position (GRCh38, 1-based): chr16:722,784, T>C on the plus strand (A>G on the coding strand, the complement: CCDC78 is on the minus strand). VCF-style: chr16-722784-T-C. GRCh37 (hg19) VCF-style: chr16-772784-T-C.
Other names: c.1303A>G, p.Ser435Gly (NM_001031737.3); c.1127A>G, p.Lys376Arg (NM_001378031.1); c.740A>G, p.Lys247Arg (NM_001378033.1); short protein forms K247R, K376R, K436R, S435G.
Identifiers: ClinVar variation 2766837 (VCV002766837.3), dbSNP rs748114954, ClinGen allele CA276518455.